The following is an entry in ClinVar:

NM_001276345.2(TNNT2):c.610A>G (p.Thr204Ala)

Gene: TNNT2 (troponin T2, cardiac type; minus strand). Cytogenetic location: 1q32.1.
Variant type: single nucleotide variant.
Coding change: c.610A>G on transcript NM_001276345.2 (MANE Select); coding-DNA position 610, A replaced by G.
Protein change: p.Thr204Ala; replaces threonine 204 with alanine.
Molecular consequence: missense variant.
Genome position (GRCh38, 1-based): chr1:201,362,022, T>C on the plus strand (A>G on the coding strand, the complement: TNNT2 is on the minus strand). VCF-style: chr1-201362022-T-C. GRCh37 (hg19) VCF-style: chr1-201331150-T-C.
Other names: c.601A>G, p.Thr201Ala (NM_000364.4); c.580A>G, p.Thr194Ala (NM_001001430.3, NM_001276347.2); c.571A>G, p.Thr191Ala (NM_001001431.3); c.562A>G, p.Thr188Ala (NM_001001432.3); c.481A>G, p.Thr161Ala (NM_001276346.2); short protein forms T194A, T201A, T188A, T191A, T204A, T161A.
Identifiers: ClinVar variation 155842 (VCV000155842.2), dbSNP rs587782981, ClinGen allele CA004811.

ClinVar aggregate classification (germline): Uncertain significance (1 of 4 stars; one submission).

Conditions:
Hypertrophic cardiomyopathy. Also called: HYPERTROPHIC MYOCARDIOPATHY. Identifiers: Orphanet 217569, MedGen C0007194, MeSH D002312, MONDO:0005045, HP:0001639.

Allele frequency attached by ClinVar (database versions not stated): gnomAD exomes below 0.00001.
gnomAD v4.1: 1 of 1,614,132 alleles (0.000062%); highest among the groups gnomAD compares: Non-Finnish European, 0.000085%; no homozygotes.

Submission:

Molecular Genetics, Royal Melbourne Hospital
Classification: Uncertain significance for Hypertrophic cardiomyopathy. Last evaluated: 2024-09-08. Review status: criteria provided, single submitter. Criteria: ACMG Guidelines, 2015. Collection method: clinical testing. Allele origin: germline. Inheritance: Autosomal dominant inheritance. Affected: yes.
Comment: This sequence change in TNNT2 is predicted to replace threonine with alanine at codon 204, p.(Thr204Ala). The threonine residue is an established phosphothreonine (PMID: 12819028, 11179042). There is a small physicochemical difference between threonine and alanine. This variant is present in a single individual from the European (non-Finnish) population in the population database gnomAD v4.1 (1/1,180,000 alleles). This variant has been reported in at least two probands with hypertrophic cardiomyopathy (PMID: 25351510; ClinVar: SCV000188838.1). Computational evidence is uninformative for the missense substitution (REVEL = 0.3) and predicts no impact on splicing (SpliceAI) for the nucleotide change. Based on the classification scheme RMH Modified ACMG/AMP Guidelines v1.7.0, this variant is classified as a VARIANT OF UNCERTAIN SIGNIFICANCE. Following criteria are met: PM1, PM2_Supporting, PS4_Supporting.

Literature cited by the submitters: PubMed 11179042; PubMed 12819028; PubMed 25351510.